The following is an entry in ClinVar:

ClinVar aggregate classification (germline): Likely pathogenic (1 of 4 stars; one submission).

Submission:

CeGaT Center for Human Genetics Tuebingen
Classification: Likely pathogenic. Last evaluated: 2025-11-01. Review status: criteria provided, single submitter. Criteria: CeGaT Center For Human Genetics Tuebingen Variant Classification Criteria Version 2. Collection method: clinical testing. Allele origin: germline. Affected: yes. Observed: 1 variant allele.
Comment: DSP: PVS1:Strong, PM2

NM_004415.4(DSP):c.6859dup (p.Thr2287fs)

Gene: DSP (desmoplakin; plus strand). Cytogenetic location: 6p24.3.
Variant type: Duplication.
Coding change: c.6859dup on transcript NM_004415.4 (MANE Select); coding-DNA position 6859, one base duplicated (A; older notation c.6859dupA).
Protein change: p.Thr2287fs; shifts the reading frame from threonine 2287.
Molecular consequence: frameshift variant.
Genome position (GRCh38, 1-based): chr6:7,584,121, A duplicated. VCF-style (leftmost placement, unchanged base first): chr6-7584120-T-TA. GRCh37 (hg19) VCF-style: chr6-7584353-T-TA.
Other names: c.5062dup, p.Thr1688fs (NM_001008844.3); c.5530dup, p.Thr1844fs (NM_001319034.2); short protein forms T1688fs, T1844fs, T2287fs.
Identifiers: ClinVar variation 4535229 (VCV004535229.6).